The following is an entry in ClinVar:

ClinVar aggregate classification (germline): Pathogenic (0 of 4 stars; one submission).

Conditions:
PCWH syndrome. Also called: WAARDENBURG-SHAH SYNDROME, NEUROLOGIC VARIANT. Identifiers: Orphanet 163746, MedGen C1836727, MONDO:0012198, OMIM 609136.

Submission:

Department of Pediatrics, Division of Medical Genetics, Faculty of Medicine Ramathibodi Hospital, Mahidol University
Classification: Pathogenic for PCWH syndrome. Last evaluated: 2020-05-02. Review status: no assertion criteria provided. Collection method: research. Allele origin: de novo. Inheritance: Sporadic. Affected: yes. Observed: 2 heterozygotes.
Comment: 1. de novo occurrence. 2. The altered protein is predicted to a total loss of transactivation domain.

NM_006941.4(SOX10):c.1155_1174dup (p.Phe392fs)

Genes: POLR2F (RNA polymerase II, I and III subunit F; plus strand), SOX10 (SRY-box transcription factor 10; minus strand). Cytogenetic location: 22q13.1.
Variant type: Duplication.
Coding change: c.1155_1174dup on transcript NM_006941.4 (MANE Select); coding-DNA positions 1155 to 1174, 20 bases duplicated (GCCCCACTATGGCTCAGCCT).
Protein change: p.Phe392fs; shifts the reading frame from phenylalanine 392.
Molecular consequence: frameshift variant. On other transcripts: intron variant (3).
Genome position (GRCh38, 1-based): chr22:37,973,722-37,973,741, AGGCTGAGCCATAGTGGGGC duplicated on the plus strand (GCCCCACTATGGCTCAGCCT on the coding strand, the reverse complement: SOX10 is on the minus strand); duplicating any 20 consecutive bases within chr22:37,973,722-37,973,749 gives the same sequence; the c. name uses the placement nearest the transcript's 3' end. VCF-style (leftmost placement, unchanged base first): chr22-37973721-A-AAGGCTGAGCCATAGTGGGGC. GRCh37 (hg19) VCF-style: chr22-38369728-A-AAGGCTGAGCCATAGTGGGGC.
Other names: c.1155_1174dupGCCCCACTATGGCTCAGCCT (NM_006941.3); c.*38+1420_*38+1439dup (NM_001363825.1); c.293+6560_293+6579dup (NM_001301130.2, NM_001301131.2); short protein forms F392fs.
Identifiers: ClinVar variation 915453 (VCV000915453.5), dbSNP rs1932131665, ClinGen allele CA1139667108.